The following is an entry in ClinVar:

ClinVar aggregate classification (germline): Uncertain significance. Review status: criteria provided, multiple submitters, no conflicts (2 of 4 stars). 6 submissions from 6 submitters: Uncertain significance (5). 1 of the submissions does not count toward it. Last evaluated 2025-12-16.

Conditions:
Inborn genetic diseases. Identifiers: MedGen C0950123, MeSH D030342.
Hearing impairment. Also called: Impaired Hearing. Identifiers: MedGen C1384666, MONDO:0005365, HP:0000365.

Allele frequency attached by ClinVar (database versions not stated): gnomAD exomes 0.00002; ExAC 0.00005; TOPMed 0.00005; gnomAD 0.00007; ESP Exome Variant Server 0.00008.
gnomAD v4.1: 38 of 1,614,018 alleles (0.0024%); highest among the groups gnomAD compares: East Asian, 0.013%; no homozygotes.

Submissions (6):

GeneDx
Classification: Uncertain significance. Last evaluated: 2025-12-16. Review status: criteria provided, single submitter. Criteria: GeneDx Variant Classification Process June 2021. Collection method: clinical testing. Allele origin: germline.
Comment: In silico analysis supports that this missense variant has a deleterious effect on protein structure/function; Has not been previously published as pathogenic or benign to our knowledge

Women's Health and Genetics/Laboratory Corporation of America, LabCorp
Classification: Uncertain significance. Last evaluated: 2025-06-30. Review status: criteria provided, single submitter. Criteria: LabCorp Variant Classification Summary - May 2015. Collection method: clinical testing. Allele origin: germline.
Comment: Variant summary: TMPRSS3 c.1079C>T (p.Ala360Val) results in a non-conservative amino acid change in the encoded protein sequence. Algorithms developed to predict the effect of missense changes on protein structure and function are either unavailable or do not agree on the potential impact of this missense change. The variant allele was found at a frequency of 2.4e-05 in 251414 control chromosomes. The available data on variant occurrences in the general population are insufficient to allow any conclusion about variant significance. To our knowledge, no occurrence of c.1079C>T in individuals affected with Deafness, Autosomal Recessive 8 and no experimental evidence demonstrating its impact on protein function have been reported. ClinVar contains an entry for this variant (Variation ID: 1049835). Based on the evidence outlined above, the variant was classified as uncertain significance.

Ambry Genetics
Classification: Uncertain significance for Inborn genetic diseases. Last evaluated: 2025-06-24. Review status: criteria provided, single submitter. Criteria: Ambry Variant Classification Scheme 2023. Collection method: clinical testing. Allele origin: germline.

Blueprint Genetics
Classification: Uncertain significance. Last evaluated: 2024-03-13. Review status: criteria provided, single submitter. Criteria: ACMG Guidelines, 2015. Collection method: clinical testing. Allele origin: germline.

Department of Otolaryngology – Head & Neck Surgery, Cochlear Implant Center
Classification: Uncertain significance for Hearing impairment. Last evaluated: 2021-04-12. Review status: criteria provided, single submitter. Criteria: ClinGen HL ACMG Specifications v1. Collection method: clinical testing. Allele origin: germline. Affected: yes.
Comment: PM2_Moderate, BP4_Supporting

Department of Pathology and Laboratory Medicine, Sinai Health System
Classification: Uncertain significance. Review status: no assertion criteria provided. Collection method: clinical testing. Allele origin: unknown. Affected: yes. Study: The Canadian Open Genetics Repository (COGR). Not counted in ClinVar's aggregate classification.
Comment: The TMPRSS3 p.Ala360Val variant was not identified in the literature nor was it identified in ClinVar. The variant was identified in dbSNP (ID: rs200777266) and LOVD 3.0 (variant effect not shared). The variant was identified in control databases in 11 of 282798 chromosomes at a frequency of 0.0000389 (Genome Aggregation Database March 6, 2019, v2.1.1). The variant was observed in the following populations: African in 4 of 24958 chromosomes (freq: 0.00016), East Asian in 3 of 19952 chromosomes (freq: 0.00015) and European (non-Finnish) in 4 of 129156 chromosomes (freq: 0.000031), but was not observed in the Latino, Ashkenazi Jewish, European (Finnish), Other, or South Asian populations. The p.Ala360 residue is conserved in mammals and four of five computational analyses (PolyPhen-2, SIFT, AlignGVGD, BLOSUM, MutationTaster) suggest that the variant may impact the protein; however, this information is not predictive enough to assume pathogenicity. The variant occurs outside of the splicing consensus sequence and in silico or computational prediction software programs (SpliceSiteFinder, MaxEntScan, NNSPLICE, GeneSplicer) do not predict a difference in splicing. In summary, based on the above information the clinical significance of this variant cannot be determined with certainty at this time. This variant is classified as a variant of uncertain significance.

NM_001256317.3(TMPRSS3):c.1076C>T (p.Ala359Val)

Gene: TMPRSS3 (transmembrane serine protease 3; minus strand). Cytogenetic location: 21q22.3.
Variant type: single nucleotide variant.
Coding change: c.1076C>T on transcript NM_001256317.3 (MANE Select); coding-DNA position 1076, C replaced by T.
Protein change: p.Ala359Val; replaces alanine 359 with valine.
Molecular consequence: missense variant.
Genome position (GRCh38, 1-based): chr21:42,376,656, G>A on the plus strand (C>T on the coding strand, the complement: TMPRSS3 is on the minus strand). VCF-style: chr21-42376656-G-A. GRCh37 (hg19) VCF-style: chr21-43796765-G-A.
Other names: c.1079C>T, p.Ala360Val (NM_024022.4); c.698C>T, p.Ala233Val (NM_032404.3); short protein forms A233V, A359V, A360V.
Identifiers: ClinVar variation 1049835 (VCV001049835.10), dbSNP rs200777266, ClinGen allele CA10042343.